The following is an entry in ClinVar:

NM_005018.3(PDCD1):c.480C>G (p.Pro160=)

Gene: PDCD1 (programmed cell death 1; minus strand). Cytogenetic location: 2q37.3.
Variant type: single nucleotide variant.
Coding change: c.480C>G on transcript NM_005018.3 (MANE Select); coding-DNA position 480, C replaced by G.
Protein change: p.Pro160=; no amino-acid change (proline 160 retained).
Molecular consequence: synonymous variant.
Genome position (GRCh38, 1-based): chr2:241,852,310, G>C on the plus strand (C>G on the coding strand, the complement: PDCD1 is on the minus strand). VCF-style: chr2-241852310-G-C. GRCh37 (hg19) VCF-style: chr2-242794462-G-C.
Identifiers: ClinVar variation 3045064 (VCV003045064.3), dbSNP rs370660750, ClinGen allele CA2223340.

ClinVar aggregate classification (germline): Likely benign. Review status: criteria provided, single submitter (1 of 4 stars). 2 submissions from 2 submitters: Likely benign (1). 1 of the submissions does not count toward it. Last evaluated 2026-09-01.

Conditions:
PDCD1-related disorder. Also called: PDCD1-related condition.

Allele frequency attached by ClinVar (database versions not stated): ESP Exome Variant Server 0.00008; ExAC 0.00009; TOPMed 0.00009; gnomAD 0.00011.
gnomAD v4.1: 170 of 1,610,840 alleles (0.011%); highest among the groups gnomAD compares: Non-Finnish European, 0.013%; no homozygotes.

Submissions (2):

CeGaT Center for Human Genetics Tuebingen
Classification: Likely benign. Last evaluated: 2026-09-01. Review status: criteria provided, single submitter. Criteria: CeGaT Center For Human Genetics Tuebingen Variant Classification Criteria Version 2. Collection method: clinical testing. Allele origin: germline. Affected: yes. Observed: 1 variant allele.
Comment: PDCD1: BP4, BP7

PreventionGenetics, part of Exact Sciences
Classification: Likely benign for PDCD1-related condition. Last evaluated: 2019-11-04. Review status: no assertion criteria provided. Collection method: clinical testing. Allele origin: germline. Not counted in ClinVar's aggregate classification.
Comment: This variant is classified as likely benign based on ACMG/AMP sequence variant interpretation guidelines (Richards et al. 2015 PMID: 25741868, with internal and published modifications).